The following is an entry in ClinVar:

NM_004104.5(FASN):c.1118G>A (p.Arg373Gln)

Gene: FASN (fatty acid synthase; minus strand). Cytogenetic location: 17q25.3.
Variant type: single nucleotide variant.
Coding change: c.1118G>A on transcript NM_004104.5 (MANE Select); coding-DNA position 1118, G replaced by A.
Protein change: p.Arg373Gln; replaces arginine 373 with glutamine.
Molecular consequence: missense variant.
Genome position (GRCh38, 1-based): chr17:82,091,596, C>T on the plus strand (G>A on the coding strand, the complement: FASN is on the minus strand). VCF-style: chr17-82091596-C-T. GRCh37 (hg19) VCF-style: chr17-80049472-C-T.
Other names: short protein forms R373Q.
Identifiers: ClinVar variation 574406 (VCV000574406.7), dbSNP rs756441396, ClinGen allele CA8853244.

ClinVar aggregate classification (germline): Uncertain significance. Review status: criteria provided, multiple submitters, no conflicts (2 of 4 stars). 2 submissions from 2 submitters: Uncertain significance (2). Last evaluated 2025-10-17.

Conditions:
Epileptic encephalopathy. Identifiers: MedGen C0543888, HP:0200134.

Allele frequency attached by ClinVar (database versions not stated): TOPMed below 0.00001; gnomAD 0.00001; gnomAD exomes 0.00001 and 0.00002; ExAC 0.00004.
gnomAD v4.1: 24 of 1,590,170 alleles (0.0015%); highest among the groups gnomAD compares: Middle Eastern, 0.017%; 1 homozygote.

Submissions (2):

Ambry Genetics
Classification: Uncertain significance. Last evaluated: 2025-10-17. Review status: criteria provided, single submitter. Criteria: Ambry Variant Classification Scheme 2023. Collection method: clinical testing. Allele origin: germline.

Labcorp Genetics (formerly Invitae), Labcorp
Classification: Uncertain significance for Epileptic encephalopathy. Last evaluated: 2024-03-06. Review status: criteria provided, single submitter. Criteria: Invitae Variant Classification Sherloc (09022015). Collection method: clinical testing. Allele origin: germline.
Comment: This sequence change replaces arginine, which is basic and polar, with glutamine, which is neutral and polar, at codon 373 of the FASN protein (p.Arg373Gln). This variant is present in population databases (rs756441396, gnomAD 0.009%). This variant has not been reported in the literature in individuals affected with FASN-related conditions. ClinVar contains an entry for this variant (Variation ID: 574406). Algorithms developed to predict the effect of missense changes on protein structure and function output the following: SIFT: "Not Available"; PolyPhen-2: "Benign"; Align-GVGD: "Not Available". The glutamine amino acid residue is found in multiple mammalian species, which suggests that this missense change does not adversely affect protein function. In summary, the available evidence is currently insufficient to determine the role of this variant in disease. Therefore, it has been classified as a Variant of Uncertain Significance.